The following is an entry in ClinVar:

NM_001349074.2(TBC1D5):c.283C>T (p.Leu95Phe)

Gene: TBC1D5 (TBC1 domain family member 5; minus strand). Cytogenetic location: 3p24.3.
Variant type: single nucleotide variant.
Coding change: c.283C>T on transcript NM_001349074.2 (MANE Select); coding-DNA position 283, C replaced by T.
Protein change: p.Leu95Phe; replaces leucine 95 with phenylalanine.
Molecular consequence: missense variant. On other transcripts: 5 prime UTR variant (10).
Genome position (GRCh38, 1-based): chr3:17,404,955, G>A on the plus strand (C>T on the coding strand, the complement: TBC1D5 is on the minus strand). VCF-style: chr3-17404955-G-A. GRCh37 (hg19) VCF-style: chr3-17446447-G-A.
Other names: c.283C>T, p.Leu95Phe (NM_014744.2, NM_001134381.2, NM_001349073.2 and 6 more transcripts); c.-126C>T (NM_001349083.2, NM_001349084.2, NM_001349085.2 and 7 more transcripts); c.304C>T, p.Leu102Phe (NM_001349081.2); short protein forms L102F, L95F.
Identifiers: ClinVar variation 2653609 (VCV002653609.24), dbSNP rs34457748, ClinGen allele CA2281674.

ClinVar aggregate classification (germline): Likely benign (1 of 4 stars; one submission).

Allele frequency attached by ClinVar (database versions not stated): 1000 Genomes Project 0.00220; 1000 Genomes Project 30x 0.00234; ExAC 0.00327; TOPMed 0.00434; ESP Exome Variant Server 0.00318.
gnomAD v4.1: 6,156 of 1,578,902 alleles (0.39%); highest among the groups gnomAD compares: Middle Eastern, 1.8%; 26 homozygotes.

Submission:

CeGaT Center for Human Genetics Tuebingen
Classification: Likely benign. Last evaluated: 2022-04-01. Review status: criteria provided, single submitter. Criteria: CeGaT Center For Human Genetics Tuebingen Variant Classification Criteria Version 2. Collection method: clinical testing. Allele origin: germline. Affected: yes. Observed: 1 variant allele.
Comment: TBC1D5: BS2